The following is an entry in ClinVar:

NM_001039141.3(TRIOBP):c.1158C>T (p.Asp386=)

Gene: TRIOBP (TRIO and F-actin binding protein; plus strand). Cytogenetic location: 22q13.1.
Variant type: single nucleotide variant.
Coding change: c.1158C>T on transcript NM_001039141.3 (MANE Select); coding-DNA position 1158, C replaced by T.
Protein change: p.Asp386=; no amino-acid change (aspartic acid 386 retained).
Molecular consequence: synonymous variant.
Genome position (GRCh38, 1-based): chr22:37,723,714, C>T. VCF-style: chr22-37723714-C-T. GRCh37 (hg19) VCF-style: chr22-38119721-C-T.
Identifiers: ClinVar variation 593116 (VCV000593116.47), dbSNP rs116964444, ClinGen allele CA10223534.
Genomic context (GRCh38, chr22:37,723,714, plus strand): 5'-TTCTTTTCCTACTTGTACTCCCCAGCGGGAAAACCCCAGGACACCCTGTGTCCAGCAGGA[C>T]GATCCCAGAGCCTCCTCTCCCAACAGAACCACTCAACGAGAGAATTCCAGAACATCCTGT-3'
Protein context (NP_001034230.1, residues 376-396): ENPRTPCVQQ[Asp386=]DPRASSPNRT

ClinVar aggregate classification (germline): Benign/Likely benign. Review status: criteria provided, multiple submitters, no conflicts (2 of 4 stars). 6 submissions from 6 submitters: Benign (3); Likely benign (2). 1 of the submissions does not count toward it. Last evaluated 2026-08-01.

Conditions:
TRIOBP-related disorder. Also called: TRIOBP-related condition.

Allele frequency attached by ClinVar (database versions not stated): 1000 Genomes Project 30x 0.00437; 1000 Genomes Project 0.00479; gnomAD exomes 0.00607 and 0.00771; gnomAD 0.00614 and 0.00651; TOPMed 0.00635; ExAC 0.00636; ESP Exome Variant Server 0.00664.
gnomAD v4.1: 12,147 of 1,611,018 alleles (0.75%); highest among the groups gnomAD compares: Middle Eastern, 1.3%; 64 homozygotes.

Submissions (6):

CeGaT Center for Human Genetics Tuebingen
Classification: Likely benign. Last evaluated: 2026-08-01. Review status: criteria provided, single submitter. Criteria: CeGaT Center For Human Genetics Tuebingen Variant Classification Criteria Version 2. Collection method: clinical testing. Allele origin: germline. Affected: yes. Observed: 10 variant alleles.
Comment: TRIOBP: BS2

Labcorp Genetics (formerly Invitae), Labcorp
Classification: Benign. Last evaluated: 2026-01-21. Review status: criteria provided, single submitter. Criteria: Invitae Variant Classification Sherloc (09022015). Collection method: clinical testing. Allele origin: germline.

GeneDx
Classification: Benign. Last evaluated: 2019-01-09. Review status: criteria provided, single submitter. Criteria: GeneDx Variant Classification Process June 2021. Collection method: clinical testing. Allele origin: germline. Affected: yes.

Eurofins Ntd Llc (ga)
Classification: Benign. Last evaluated: 2017-07-21. Review status: criteria provided, single submitter. Criteria: EGL Classification Definitions 2015. Collection method: clinical testing. Allele origin: germline. Observed: 1 variant allele, 1 heterozygote.

Breakthrough Genomics
Classification: Likely benign. Review status: criteria provided, single submitter. Criteria: ACMG Guidelines, 2015. Collection method: not provided. Allele origin: germline. Inheritance: Autosomal recessive inheritance. Affected: yes.

PreventionGenetics, part of Exact Sciences
Classification: Benign for TRIOBP-related condition. Last evaluated: 2020-03-16. Review status: no assertion criteria provided. Collection method: clinical testing. Allele origin: germline. Not counted in ClinVar's aggregate classification.
Comment: This variant is classified as benign based on ACMG/AMP sequence variant interpretation guidelines (Richards et al. 2015 PMID: 25741868, with internal and published modifications).